The following is an entry in ClinVar:

ClinVar aggregate classification (germline): Uncertain significance (1 of 4 stars; one submission).

Conditions:
Ataxia-telangiectasia syndrome (AT). Also called: AT, COMPLEMENTATION GROUP C; Ataxia telangiectasia (A-T); LOUIS-BAR SYNDROME; Cerebello-oculocutaneous telangiectasia; Immunodeficiency with ataxia telangiectasia; Ataxia-telangiectasia, complementation group D. Identifiers: Orphanet 100, MedGen C0004135, MONDO:0008840, OMIM 208900.

Submission:

Labcorp Genetics (formerly Invitae), Labcorp
Classification: Uncertain significance for Ataxia-telangiectasia syndrome. Last evaluated: 2024-01-21. Review status: criteria provided, single submitter. Criteria: Invitae Variant Classification Sherloc (09022015). Collection method: clinical testing. Allele origin: germline.
Comment: This sequence change replaces aspartic acid, which is acidic and polar, with histidine, which is basic and polar, at codon 18 of the ATM protein (p.Asp18His). This variant is not present in population databases (gnomAD no frequency). This variant has not been reported in the literature in individuals affected with ATM-related conditions. ClinVar contains an entry for this variant (Variation ID: 2159504). Advanced modeling of protein sequence and biophysical properties (such as structural, functional, and spatial information, amino acid conservation, physicochemical variation, residue mobility, and thermodynamic stability) performed at Invitae indicates that this missense variant is not expected to disrupt ATM protein function with a negative predictive value of 95%. In summary, the available evidence is currently insufficient to determine the role of this variant in disease. Therefore, it has been classified as a Variant of Uncertain Significance.

NM_000051.4(ATM):c.52G>C (p.Asp18His)

Gene: ATM (ATM serine/threonine kinase; plus strand). Cytogenetic location: 11q22.3.
Variant type: single nucleotide variant.
Coding change: c.52G>C on transcript NM_000051.4 (MANE Select); coding-DNA position 52, G replaced by C.
Protein change: p.Asp18His; replaces aspartic acid 18 with histidine.
Molecular consequence: missense variant.
Genome position (GRCh38, 1-based): chr11:108,227,676, G>C. VCF-style: chr11-108227676-G-C. GRCh37 (hg19) VCF-style: chr11-108098403-G-C.
Other names: c.52G>C, p.Asp18His (NM_001351834.2, NM_001351835.2, NM_001351836.2); short protein forms D18H.
Identifiers: ClinVar variation 2159504 (VCV002159504.4), dbSNP rs2078809121, ClinGen allele CA382519240.